The following is an entry in ClinVar:

ClinVar aggregate classification (germline): Uncertain significance. Review status: criteria provided, multiple submitters, no conflicts (2 of 4 stars). 3 submissions from 3 submitters: Uncertain significance (3). Last evaluated 2025-02-01.

Conditions:
Autosomal recessive limb-girdle muscular dystrophy type R18 (LGMDR18). Also called: MUSCULAR DYSTROPHY, LIMB-GIRDLE, AUTOSOMAL RECESSIVE 18; Limb-girdle muscular dystrophy, type 2S; Autosomal recessive limb-girdle muscular dystrophy type 2S. Identifiers: Orphanet 369840, MedGen C4517996, MONDO:0014144, OMIM 615356.
Inborn genetic diseases. Identifiers: MedGen C0950123, MeSH D030342.

gnomAD v4.1: 47 of 1,613,674 alleles (0.0029%); highest among the groups gnomAD compares: Non-Finnish European, 0.0035%; no homozygotes.

Submissions (3):

CeGaT Center for Human Genetics Tuebingen
Classification: Uncertain significance. Last evaluated: 2025-02-01. Review status: criteria provided, single submitter. Criteria: CeGaT Center For Human Genetics Tuebingen Variant Classification Criteria Version 2. Collection method: clinical testing. Allele origin: germline. Affected: yes. Observed: 1 variant allele.
Comment: TRAPPC11: PM2

Labcorp Genetics (formerly Invitae), Labcorp
Classification: Uncertain significance for Autosomal recessive limb-girdle muscular dystrophy type R18. Last evaluated: 2023-09-21. Review status: criteria provided, single submitter. Criteria: Invitae Variant Classification Sherloc (09022015). Collection method: clinical testing. Allele origin: germline.
Comment: This sequence change replaces alanine, which is neutral and non-polar, with aspartic acid, which is acidic and polar, at codon 716 of the TRAPPC11 protein (p.Ala716Asp). This variant is present in population databases (rs143990563, gnomAD 0.004%). This variant has not been reported in the literature in individuals affected with TRAPPC11-related conditions. ClinVar contains an entry for this variant (Variation ID: 1378704). Advanced modeling of protein sequence and biophysical properties (such as structural, functional, and spatial information, amino acid conservation, physicochemical variation, residue mobility, and thermodynamic stability) performed at Invitae indicates that this missense variant is expected to disrupt TRAPPC11 protein function. In summary, the available evidence is currently insufficient to determine the role of this variant in disease. Therefore, it has been classified as a Variant of Uncertain Significance.

Ambry Genetics
Classification: Uncertain significance for Inborn genetic diseases. Last evaluated: 2021-08-17. Review status: criteria provided, single submitter. Criteria: Ambry Variant Classification Scheme 2023. Collection method: clinical testing. Allele origin: germline.

NM_021942.6(TRAPPC11):c.2147C>A (p.Ala716Asp)

Gene: TRAPPC11 (trafficking protein particle complex subunit 11; plus strand). Cytogenetic location: 4q35.1.
Variant type: single nucleotide variant.
Coding change: c.2147C>A on transcript NM_021942.6 (MANE Select); coding-DNA position 2147, C replaced by A.
Protein change: p.Ala716Asp; replaces alanine 716 with aspartic acid.
Molecular consequence: missense variant.
Genome position (GRCh38, 1-based): chr4:183,693,057, C>A. VCF-style: chr4-183693057-C-A. GRCh37 (hg19) VCF-style: chr4-184614210-C-A.
Other names: c.2147C>A, p.Ala716Asp (NM_199053.3); c.2147C>A (NM_021942.4); short protein forms A716D.
Identifiers: ClinVar variation 1378704 (VCV001378704.18), dbSNP rs143990563, ClinGen allele CA3152116.